The following is an entry in ClinVar:

ClinVar aggregate classification (germline): Uncertain significance. Review status: criteria provided, multiple submitters, no conflicts (2 of 4 stars). 3 submissions from 3 submitters: Uncertain significance (3). Last evaluated 2025-05-13.

Allele frequency attached by ClinVar (database versions not stated): gnomAD exomes 0.00001; TOPMed 0.00002.
gnomAD v4.1: 12 of 1,614,166 alleles (0.00074%); highest among the groups gnomAD compares: African/African-American, 0.0013%; no homozygotes.

Submissions (3):

Dasa
Classification: Uncertain significance. Last evaluated: 2025-05-13. Review status: criteria provided, single submitter. Criteria: DASA Assertion Criteria. Collection method: clinical testing. Allele origin: germline.
Comment: NM_002335.4(LRP5):c.2900C>T (p.Pro967Leu) is a missense variant that results in the substitution of proline with leucine. This variant is rare in population databases. Computational prediction algorithms are consistent with a deleterious effect. The currently available literature and clinical evidence are not sufficient to establish a definitive association between this variant and the reported condition. Therefore, this variant is classified as a variant of uncertain significance.

Labcorp Genetics (formerly Invitae), Labcorp
Classification: Uncertain significance. Last evaluated: 2022-10-16. Review status: criteria provided, single submitter. Criteria: Invitae Variant Classification Sherloc (09022015). Collection method: clinical testing. Allele origin: germline.
Comment: In summary, the available evidence is currently insufficient to determine the role of this variant in disease. Therefore, it has been classified as a Variant of Uncertain Significance. Algorithms developed to predict the effect of missense changes on protein structure and function (SIFT, PolyPhen-2, Align-GVGD) all suggest that this variant is likely to be disruptive. This sequence change replaces proline, which is neutral and non-polar, with leucine, which is neutral and non-polar, at codon 967 of the LRP5 protein (p.Pro967Leu). This variant is present in population databases (rs780789533, gnomAD no frequency). This variant has not been reported in the literature in individuals affected with LRP5-related conditions.

Blueprint Genetics
Classification: Uncertain significance. Last evaluated: 2021-07-01. Review status: criteria provided, single submitter. Criteria: ACMG Guidelines, 2015. Collection method: clinical testing. Allele origin: germline.

NM_002335.4(LRP5):c.2900C>T (p.Pro967Leu)

Gene: LRP5 (LDL receptor related protein 5; plus strand). Cytogenetic location: 11q13.2.
Variant type: single nucleotide variant.
Coding change: c.2900C>T on transcript NM_002335.4 (MANE Select); coding-DNA position 2900, C replaced by T.
Protein change: p.Pro967Leu; replaces proline 967 with leucine.
Molecular consequence: missense variant.
Genome position (GRCh38, 1-based): chr11:68,416,400, C>T. VCF-style: chr11-68416400-C-T. GRCh37 (hg19) VCF-style: chr11-68183868-C-T.
Other names: c.1157C>T, p.Pro386Leu (NM_001291902.2); short protein forms P967L, P386L.
Identifiers: ClinVar variation 1902779 (VCV001902779.8), dbSNP rs780789533, ClinGen allele CA224275861.
Genomic context (GRCh38, chr11:68,416,400, plus strand): 5'-TCTTGCTGTTCAGCCAGAAATCTGCCATCAGTCGGATGATCCCGGACGACCAGCACAGCC[C>T]GGATCTCATCCTGCCCCTGCATGGACTGAGGAACGTCAAAGCCATCGACTATGACCCACT-3'
Protein context (NP_002326.2, residues 957-977): SRMIPDDQHS[Pro967Leu]DLILPLHGLR